The following is an entry in ClinVar:

NM_001903.5(CTNNA1):c.1068A>T (p.Gly356=)

Gene: CTNNA1 (catenin alpha 1; plus strand). Cytogenetic location: 5q31.2.
Variant type: single nucleotide variant.
Coding change: c.1068A>T on transcript NM_001903.5 (MANE Select); coding-DNA position 1068, A replaced by T.
Protein change: p.Gly356=; no amino-acid change (glycine 356 retained).
Molecular consequence: synonymous variant. On other transcripts: 5 prime UTR variant (26), intron variant (2).
Genome position (GRCh38, 1-based): chr5:138,886,217, A>T. VCF-style: chr5-138886217-A-T. GRCh37 (hg19) VCF-style: chr5-138221906-A-T.
Other names: c.1068A>T, p.Gly356= (NM_001290307.3, NM_001323982.2, NM_001323983.1 and 3 more transcripts); c.759A>T, p.Gly253= (NM_001290309.3); c.699A>T, p.Gly233= (NM_001290310.3); c.-43A>T (NM_001290312.1, NM_001323987.1, NM_001323988.1 and 18 more transcripts); c.-440A>T (NM_001324006.1, NM_001324007.1, NM_001324008.1 and 1 more transcripts); c.-315A>T (NM_001324013.1); c.-58+10620A>T (NM_001324012.1); c.-61+10620A>T (NM_001324010.1).
Identifiers: ClinVar variation 1159602 (VCV001159602.12), dbSNP rs2150023949, ClinGen allele CA446588914.

ClinVar aggregate classification (germline): Benign/Likely benign. Review status: criteria provided, multiple submitters, no conflicts (2 of 4 stars). 3 submissions from 3 submitters: Benign (1); Likely benign (2). Last evaluated 2024-10-10.

Conditions:
Hereditary diffuse gastric adenocarcinoma (HDGC). Also called: DIFFUSE GASTRIC AND LOBULAR BREAST CANCER SYNDROME. Identifiers: Orphanet 26106, MedGen C1708349, MONDO:0007648, OMIM 137215.
Hereditary cancer-predisposing syndrome. Also called: Neoplastic Syndromes, Hereditary; Hereditary Cancer Syndrome; Hereditary neoplastic syndrome; Tumor predisposition. Identifiers: Orphanet 140162, MedGen C0027672, MeSH D009386, MONDO:0015356.

Submissions (3):

Myriad Genetics, Inc.
Classification: Benign for Hereditary diffuse gastric adenocarcinoma. Last evaluated: 2024-10-10. Review status: criteria provided, single submitter. Criteria: Myriad Autosomal Dominant, Autosomal Recessive and X-Linked Classification Criteria (2023). Collection method: clinical testing. Allele origin: unknown.
Comment: This variant is considered benign. This variant is a silent/synonymous amino acid change and it is not expected to impact splicing.

Labcorp Genetics (formerly Invitae), Labcorp
Classification: Likely benign. Last evaluated: 2024-08-24. Review status: criteria provided, single submitter. Criteria: Invitae Variant Classification Sherloc (09022015). Collection method: clinical testing. Allele origin: germline.

Ambry Genetics
Classification: Likely benign for Hereditary cancer-predisposing syndrome. Last evaluated: 2019-10-30. Review status: criteria provided, single submitter. Criteria: Ambry Variant Classification Scheme 2023. Collection method: clinical testing. Allele origin: germline.